The following is an entry in ClinVar:

ClinVar aggregate classification (germline): Pathogenic (1 of 4 stars; one submission).

Conditions:
Epilepsy, idiopathic generalized, susceptibility to, 13. Also called: EPILEPSY, JUVENILE MYOCLONIC, SUSCEPTIBILITY TO, 5. Identifiers: Orphanet 307, Orphanet 64280, MedGen C4013473, MONDO:0012627, OMIM 611136.
Epilepsy, childhood absence 4 (ECA4). Also called: EPILEPSY, CHILDHOOD ABSENCE, SUSCEPTIBILITY TO, 4. Identifiers: Orphanet 307, MedGen C1970160.
Idiopathic generalized epilepsy. Also called: Generalised epilepsy; EIG. Identifiers: MedGen C0270850, MONDO:0005579, OMIM 600669.

Submission:

Labcorp Genetics (formerly Invitae), Labcorp
Classification: Pathogenic for Epilepsy, childhood absence 4; Epilepsy, idiopathic generalized, susceptibility to, 13; Idiopathic generalized epilepsy. Last evaluated: 2023-07-17. Review status: criteria provided, single submitter. Criteria: Invitae Variant Classification Sherloc (09022015). Collection method: clinical testing. Allele origin: germline.
Comment: For these reasons, this variant has been classified as Pathogenic. Advanced modeling of protein sequence and biophysical properties (such as structural, functional, and spatial information, amino acid conservation, physicochemical variation, residue mobility, and thermodynamic stability) performed at Invitae indicates that this missense variant is expected to disrupt GABRA1 protein function. ClinVar contains an entry for this variant (Variation ID: 1506120). This missense change has been observed in individual(s) with clinical features of GABRA1-related conditions (Invitae). In at least one individual the variant was observed to be de novo. This variant is not present in population databases (gnomAD no frequency). This sequence change replaces phenylalanine, which is neutral and non-polar, with serine, which is neutral and polar, at codon 92 of the GABRA1 protein (p.Phe92Ser).

NM_001127644.2(GABRA1):c.275T>C (p.Phe92Ser)

Gene: GABRA1 (gamma-aminobutyric acid type A receptor subunit alpha1; plus strand). Cytogenetic location: 5q34.
Variant type: single nucleotide variant.
Coding change: c.275T>C on transcript NM_001127644.2 (MANE Select); coding-DNA position 275, T replaced by C.
Protein change: p.Phe92Ser; replaces phenylalanine 92 with serine.
Molecular consequence: missense variant.
Genome position (GRCh38, 1-based): chr5:161,873,136, T>C. VCF-style: chr5-161873136-T-C. GRCh37 (hg19) VCF-style: chr5-161300142-T-C.
Other names: c.275T>C, p.Phe92Ser (NM_000806.5, NM_001127643.2, NM_001127645.2 and 1 more transcripts); short protein forms F92S.
Identifiers: ClinVar variation 1506120 (VCV001506120.6), dbSNP rs2113380903, ClinGen allele CA362178699.